The following is an entry in ClinVar:

NM_002156.5(HSPD1):c.384C>T (p.Phe128=)

Gene: HSPD1 (heat shock protein family D (Hsp60) member 1; minus strand). Cytogenetic location: 2q33.1.
Variant type: single nucleotide variant.
Coding change: c.384C>T on transcript NM_002156.5 (MANE Select); coding-DNA position 384, C replaced by T.
Protein change: p.Phe128=; no amino-acid change (phenylalanine 128 retained).
Molecular consequence: synonymous variant.
Genome position (GRCh38, 1-based): chr2:197,497,183, G>A on the plus strand (C>T on the coding strand, the complement: HSPD1 is on the minus strand). VCF-style: chr2-197497183-G-A. GRCh37 (hg19) VCF-style: chr2-198361907-G-A.
Other names: c.384C>T, p.Phe128= (NM_199440.2).
Identifiers: ClinVar variation 697485 (VCV000697485.13), dbSNP rs762474761, ClinGen allele CA2043637.
Genomic context (GRCh38, chr2:197,497,183, plus strand): 5'-ACAACAGACATTCCTACCTCTCCTGATTTCCACTGGATTAGCACCTTTGCTAATCTTCTC[G>A]AAGCCTTCCTTGGCTATAGAGCGTGCCAGTACAGTAGCAGTGGTAGTGCCATCCCCAGCT-3'
Protein context (NP_002147.2, residues 118-138): VLARSIAKEG[Phe128=]EKISKGANPV

ClinVar aggregate classification (germline): Benign/Likely benign. Review status: criteria provided, multiple submitters, no conflicts (2 of 4 stars). 2 submissions from 2 submitters: Benign (1); Likely benign (1). Last evaluated 2026-08-01.

Conditions:
Spastic paraplegia. Identifiers: MedGen C0037772, HP:0001258.

Allele frequency attached by ClinVar (database versions not stated): gnomAD 0.00008 and 0.00009; gnomAD exomes 0.00013 and 0.00040; TOPMed 0.00018; ExAC 0.00035.
gnomAD v4.1: 201 of 1,613,918 alleles (0.012%); highest among the groups gnomAD compares: Admixed American, 0.2%; no homozygotes.

Submissions (2):

CeGaT Center for Human Genetics Tuebingen
Classification: Likely benign. Last evaluated: 2026-08-01. Review status: criteria provided, single submitter. Criteria: CeGaT Center For Human Genetics Tuebingen Variant Classification Criteria Version 2. Collection method: clinical testing. Allele origin: germline. Affected: yes. Observed: 2 variant alleles.
Comment: HSPD1: BP4, BP7

Labcorp Genetics (formerly Invitae), Labcorp
Classification: Benign for Spastic paraplegia. Last evaluated: 2026-01-03. Review status: criteria provided, single submitter. Criteria: Invitae Variant Classification Sherloc (09022015). Collection method: clinical testing. Allele origin: germline.